The following is an entry in ClinVar:

NM_004963.4(GUCY2C):c.1534C>T (p.Arg512Ter)

Gene: GUCY2C (guanylate cyclase 2C; minus strand). Cytogenetic location: 12p12.3.
Variant type: single nucleotide variant.
Coding change: c.1534C>T on transcript NM_004963.4 (MANE Select); coding-DNA position 1534, C replaced by T.
Protein change: p.Arg512Ter; replaces arginine 512 with a stop codon.
Molecular consequence: nonsense.
Genome position (GRCh38, 1-based): chr12:14,652,030, G>A on the plus strand (C>T on the coding strand, the complement: GUCY2C is on the minus strand). VCF-style: chr12-14652030-G-A. GRCh37 (hg19) VCF-style: chr12-14804964-G-A.
Other names: short protein forms R512*.
Identifiers: ClinVar variation 1462073 (VCV001462073.6), dbSNP rs1410756862, ClinGen allele CA383990264.

ClinVar aggregate classification (germline): Uncertain significance (1 of 4 stars; one submission).

Allele frequency attached by ClinVar (database versions not stated): gnomAD exomes 0.00001 and 0.00003; TOPMed 0.00003.
gnomAD v4.1: 14 of 1,581,548 alleles (0.00089%); highest among the groups gnomAD compares: Admixed American, 0.015%; no homozygotes.

Submission:

Labcorp Genetics (formerly Invitae), Labcorp
Classification: Uncertain significance. Last evaluated: 2025-11-10. Review status: criteria provided, single submitter. Criteria: Invitae Variant Classification Sherloc (09022015). Collection method: clinical testing. Allele origin: germline.
Comment: This sequence change creates a premature translational stop signal (p.Arg512*) in the GUCY2C gene. It is expected to result in an absent or disrupted protein product. However, the current clinical and genetic evidence is not sufficient to establish whether loss-of-function variants in GUCY2C cause disease. This variant is present in population databases (no rsID available, gnomAD 0.02%). This variant has not been reported in the literature in individuals affected with GUCY2C-related conditions. ClinVar contains an entry for this variant (Variation ID: 1462073). In summary, the available evidence is currently insufficient to determine the role of this variant in disease. Therefore, it has been classified as a Variant of Uncertain Significance.